The following is an entry in ClinVar:

NM_013450.4(BAZ2B):c.169G>T (p.Asp57Tyr)

Gene: BAZ2B (bromodomain adjacent to zinc finger domain 2B; minus strand). Cytogenetic location: 2q24.2.
Variant type: single nucleotide variant.
Coding change: c.169G>T on transcript NM_013450.4 (MANE Select); coding-DNA position 169, G replaced by T.
Protein change: p.Asp57Tyr; replaces aspartic acid 57 with tyrosine.
Molecular consequence: missense variant. On other transcripts: intron variant (1).
Genome position (GRCh38, 1-based): chr2:159,453,778, C>A on the plus strand (G>T on the coding strand, the complement: BAZ2B is on the minus strand). VCF-style: chr2-159453778-C-A. GRCh37 (hg19) VCF-style: chr2-160310289-C-A.
Other names: c.169G>T, p.Asp57Tyr (NM_001289975.1, NM_001329858.2); c.146-5369G>T (NM_001329857.2); short protein forms D57Y.
Identifiers: ClinVar variation 3908009 (VCV003908009.1).

ClinVar aggregate classification (germline): Uncertain significance (1 of 4 stars; one submission).

gnomAD v4.1: 2 of 1,607,704 alleles (0.00012%); highest among the groups gnomAD compares: Non-Finnish European, 0.00017%; no homozygotes.

Submission:

GeneDx
Classification: Uncertain significance. Last evaluated: 2024-12-25. Review status: criteria provided, single submitter. Criteria: GeneDx Variant Classification Process June 2021. Collection method: clinical testing. Allele origin: germline. Affected: yes.
Comment: Not observed at significant frequency in large population cohorts (gnomAD); In silico analysis supports that this missense variant has a deleterious effect on protein structure/function; Has not been previously published as pathogenic or benign to our knowledge; In silico analysis is inconclusive as to whether the variant alters gene splicing. In the absence of RNA/functional studies, the actual effect of this sequence change is unknown.